The following is an entry in ClinVar:

ClinVar aggregate classification (germline): Uncertain significance (1 of 4 stars; one submission).

Conditions:
Inborn genetic diseases. Identifiers: MedGen C0950123, MeSH D030342.

Submission:

Ambry Genetics
Classification: Uncertain significance for Inborn genetic diseases. Last evaluated: 2023-08-25. Review status: criteria provided, single submitter. Criteria: Ambry Variant Classification Scheme 2023. Collection method: clinical testing. Allele origin: germline.
Comment: The p.I314T variant (also known as c.941T>C), located in coding exon 9 of the RAD51 gene, results from a T to C substitution at nucleotide position 941. The isoleucine at codon 314 is replaced by threonine, an amino acid with similar properties. This amino acid position is conserved. In addition, this alteration is predicted to be deleterious by in silico analysis. Since supporting evidence is limited at this time, the clinical significance of this alteration remains unclear.

NM_002875.5(RAD51):c.941T>C (p.Ile314Thr)

Gene: RAD51 (RAD51 recombinase; plus strand). Cytogenetic location: 15q15.1.
Variant type: single nucleotide variant.
Coding change: c.941T>C on transcript NM_002875.5 (MANE Select); coding-DNA position 941, T replaced by C.
Protein change: p.Ile314Thr; replaces isoleucine 314 with threonine.
Molecular consequence: missense variant. On other transcripts: synonymous variant (1).
Genome position (GRCh38, 1-based): chr15:40,731,099, T>C. VCF-style: chr15-40731099-T-C. GRCh37 (hg19) VCF-style: chr15-41023297-T-C.
Other names: c.944T>C, p.Ile315Thr (NM_001164269.2, NM_133487.4); c.819T>C, p.Asn273= (NM_001164270.2); short protein forms I314T, I315T.
Identifiers: ClinVar variation 2585949 (VCV002585949.2), dbSNP rs2504537599, ClinGen allele CA391760837.